The following is an entry in ClinVar:

NM_145239.3(PRRT2):c.734G>A (p.Arg245His)

Genes: MVP-DT (MVP divergent transcript; minus strand), PRRT2 (proline rich transmembrane protein 2; plus strand). Cytogenetic location: 16p11.2.
Variant type: single nucleotide variant.
Coding change: c.734G>A on transcript NM_145239.3 (MANE Select); coding-DNA position 734, G replaced by A.
Protein change: p.Arg245His; replaces arginine 245 with histidine.
Molecular consequence: missense variant.
Genome position (GRCh38, 1-based): chr16:29,813,788, G>A. VCF-style: chr16-29813788-G-A. GRCh37 (hg19) VCF-style: chr16-29825109-G-A.
Other names: c.734G>A, p.Arg245His (NM_001256442.2, NM_001256443.2); short protein forms R245H.
Identifiers: ClinVar variation 468619 (VCV000468619.11), dbSNP rs754897123, ClinGen allele CA7994578.

ClinVar aggregate classification (germline): Uncertain significance (1 of 4 stars; one submission).

Conditions:
Episodic kinesigenic dyskinesia (EKD). Also called: Paroxysmal kinesigenic dyskinesia. Identifiers: Orphanet 98809, MedGen C1868682, MONDO:0044202.

Allele frequency attached by ClinVar (database versions not stated): ExAC 0.00008; gnomAD exomes 0.00002 and 0.00006; gnomAD 0.00004; TOPMed 0.00005.

Submission:

Labcorp Genetics (formerly Invitae), Labcorp
Classification: Uncertain significance for Episodic kinesigenic dyskinesia. Last evaluated: 2025-07-15. Review status: criteria provided, single submitter. Criteria: Invitae Variant Classification Sherloc (09022015). Collection method: clinical testing. Allele origin: germline.
Comment: This sequence change replaces arginine, which is basic and polar, with histidine, which is basic and polar, at codon 245 of the PRRT2 protein (p.Arg245His). This variant is present in population databases (rs754897123, gnomAD 0.04%), and has an allele count higher than expected for a pathogenic variant. This variant has not been reported in the literature in individuals affected with PRRT2-related conditions. ClinVar contains an entry for this variant (Variation ID: 468619). Invitae Evidence Modeling of protein sequence and biophysical properties (such as structural, functional, and spatial information, amino acid conservation, physicochemical variation, residue mobility, and thermodynamic stability) has been performed for this missense variant. However, the output from this modeling did not meet the statistical confidence thresholds required to predict the impact of this variant on PRRT2 protein function. In summary, the available evidence is currently insufficient to determine the role of this variant in disease. Therefore, it has been classified as a Variant of Uncertain Significance.